The following is an entry in ClinVar:

NM_000540.3(RYR1):c.11668C>A (p.Leu3890Ile)

Gene: RYR1 (ryanodine receptor 1; plus strand). Cytogenetic location: 19q13.2.
Variant type: single nucleotide variant.
Coding change: c.11668C>A on transcript NM_000540.3 (MANE Select); coding-DNA position 11668, C replaced by A.
Protein change: p.Leu3890Ile; replaces leucine 3890 with isoleucine.
Molecular consequence: missense variant.
Genome position (GRCh38, 1-based): chr19:38,537,939, C>A. VCF-style: chr19-38537939-C-A. GRCh37 (hg19) VCF-style: chr19-39028579-C-A.
Other names: c.11653C>A, p.Leu3885Ile (NM_001042723.2); short protein forms L3885I, L3890I.
Identifiers: ClinVar variation 2723200 (VCV002723200.5), dbSNP rs779991914, ClinGen allele CA057416.
Genomic context (GRCh38, chr19:38,537,939, plus strand): 5'-GGAGAGAAGGTCATGGCGGATGATGAATTCACACAAGACCTGTTCCGATTCCTACAATTG[C>A]TCTGTGAGGGGCACAATAATGGTGAGGAGGAGGGGTGTGGGGTGGAGGGGAAGCCGAGGT-3'
Protein context (NP_000531.2, residues 3880-3900): TQDLFRFLQL[Leu3890Ile]CEGHNNDFQN

ClinVar aggregate classification (germline): Uncertain significance. Review status: criteria provided, multiple submitters, no conflicts (2 of 4 stars). 3 submissions from 3 submitters: Uncertain significance (3). Last evaluated 2025-06-09.

Conditions:
Malignant hyperthermia, susceptibility to, 1 (MHS1). Also called: Anesthesia related hyperthermia; Malignant hyperpyrexia; Fulminating hyperpyrexia; Pharmacogenic myopathy; Malignant hyperthermia suceptibility 1; RYR1-Related Malignant Hyperthermia Susceptibility. Identifiers: Orphanet 423, MedGen C2930980, MONDO:0007783, OMIM 145600.
RYR1-related disorder. Also called: RYR1-related condition; RYR1-related disorders. Identifiers: MedGen CN239331.

Allele frequency attached by ClinVar (database versions not stated): TOPMed below 0.00001; gnomAD 0.00001; ExAC 0.00006.
gnomAD v4.1: 13 of 1,613,484 alleles (0.00081%); highest among the groups gnomAD compares: Admixed American, 0.02%; no homozygotes.

Submissions (3):

Color Diagnostics, LLC DBA Color Health
Classification: Uncertain significance for Malignant hyperthermia, susceptibility to, 1. Last evaluated: 2025-06-09. Review status: criteria provided, single submitter. Criteria: ACMG Guidelines, 2015. Collection method: clinical testing. Allele origin: germline.
Comment: This missense variant replaces leucine with isoleucine at codon 3890 of the RYR1 protein. Computational prediction is inconclusive regarding the impact of this variant on protein structure and function. To our knowledge, functional studies have not been reported for this variant. This variant has not been reported in individuals affected with RYR1-related disorders in the literature. This variant has been identified in 10/251442 chromosomes in the general population by the Genome Aggregation Database (gnomAD). The available evidence is insufficient to determine the role of this variant in disease conclusively. Therefore, this variant is classified as a Variant of Uncertain Significance.

Labcorp Genetics (formerly Invitae), Labcorp
Classification: Uncertain significance for RYR1-related disorder. Last evaluated: 2024-06-11. Review status: criteria provided, single submitter. Criteria: Invitae Variant Classification Sherloc (09022015). Collection method: clinical testing. Allele origin: germline.
Comment: This sequence change replaces leucine, which is neutral and non-polar, with isoleucine, which is neutral and non-polar, at codon 3890 of the RYR1 protein (p.Leu3890Ile). This variant is present in population databases (rs779991914, gnomAD 0.02%). This variant has not been reported in the literature in individuals affected with RYR1-related conditions. Advanced modeling of protein sequence and biophysical properties (such as structural, functional, and spatial information, amino acid conservation, physicochemical variation, residue mobility, and thermodynamic stability) has been performed at Invitae for this missense variant, however the output from this modeling did not meet the statistical confidence thresholds required to predict the impact of this variant on RYR1 protein function. In summary, the available evidence is currently insufficient to determine the role of this variant in disease. Therefore, it has been classified as a Variant of Uncertain Significance.

All of Us Research Program, National Institutes of Health
Classification: Uncertain significance for Malignant hyperthermia, susceptibility to, 1. Last evaluated: 2023-08-28. Review status: criteria provided, single submitter. Criteria: ACMG Guidelines, 2015. Collection method: clinical testing. Allele origin: germline. Inheritance: Autosomal dominant inheritance. Observed: 1 variant allele, 1 heterozygote.
Comment: This missense variant replaces leucine with isoleucine at codon 3890 of the RYR1 protein. Computational prediction is inconclusive regarding the impact of this variant on protein structure and function (internally defined REVEL score threshold 0.5 < inconclusive < 0.7, PMID: 27666373). To our knowledge, functional studies have not been reported for this variant. This variant has not been reported in individuals affected with RYR1-related disorders in the literature. This variant has been identified in 10/251442 chromosomes in the general population by the Genome Aggregation Database (gnomAD). The available evidence is insufficient to determine the role of this variant in disease conclusively. Therefore, this variant is classified as a Variant of Uncertain Significance.

This study involves interpretation of variants in research participants for the purpose of population health screening. Participant phenotype was not available at the time of variant classification. Additional details can be found in publication PMID: 35346344, PMCID: PMC8962531